The following is an entry in ClinVar:

ClinVar aggregate classification (germline): Uncertain significance (1 of 4 stars; one submission).

Conditions:
Granulomatous disease, chronic, autosomal recessive, cytochrome b-negative. Also called: GRANULOMATOUS DISEASE, CHRONIC, AUTOSOMAL RECESSIVE, 4; CGD DUE TO DEFICIENCY OF THE ALPHA SUBUNIT OF CYTOCHROME b; CGD, AUTOSOMAL RECESSIVE CYTOCHROME b-NEGATIVE; CYBA DEFICIENCY; Chronic granulomatous disease, autosomal, due to deficiency of CYBA. Identifiers: Orphanet 379, MedGen C1856255, MONDO:0009308, OMIM 233690.

Submission:

Labcorp Genetics (formerly Invitae), Labcorp
Classification: Uncertain significance for Granulomatous disease, chronic, autosomal recessive, cytochrome b-negative. Last evaluated: 2019-11-15. Review status: criteria provided, single submitter. Criteria: Invitae Variant Classification Sherloc (09022015). Collection method: clinical testing. Allele origin: germline.
Comment: This sequence change falls in intron 5 of the CYBA gene. It does not directly change the encoded amino acid sequence of the CYBA protein, but it affects a nucleotide within the consensus splice site of the intron. This variant is not present in population databases (ExAC no frequency). This variant has not been reported in the literature in individuals with CYBA-related conditions. Nucleotide substitutions within the consensus splice site are a relatively common cause of aberrant splicing (PMID: 17576681, 9536098). Algorithms developed to predict the effect of sequence changes on RNA splicing suggest that this variant may disrupt the consensus splice site, but this prediction has not been confirmed by published transcriptional studies. In summary, the available evidence is currently insufficient to determine the role of this variant in disease. Therefore, it has been classified as a Variant of Uncertain Significance.

Literature cited by the submitters: PubMed 17576681; PubMed 9536098.

NM_000101.4(CYBA):c.369+3G>C

Gene: CYBA (cytochrome b-245 alpha chain; minus strand). Cytogenetic location: 16q24.2.
Variant type: single nucleotide variant.
Coding change: c.369+3G>C on transcript NM_000101.4 (MANE Select); 3 bases into the intron after coding-DNA position 369, G replaced by C.
Molecular consequence: intron variant.
Genome position (GRCh38, 1-based): chr16:88,646,113, C>G on the plus strand (G>C on the coding strand, the complement: CYBA is on the minus strand). VCF-style: chr16-88646113-C-G. GRCh37 (hg19) VCF-style: chr16-88712521-C-G.
Identifiers: ClinVar variation 959319 (VCV000959319.4), dbSNP rs1907267910, ClinGen allele CA1139664862.